The following is an entry in ClinVar:

ClinVar aggregate classification (germline): Likely benign. Review status: reviewed by expert panel (3 of 4 stars). 4 submissions from 4 submitters: Likely benign (1). 3 of the submissions do not count toward it. Last evaluated 2017-06-29.

Conditions:
Hereditary breast ovarian cancer syndrome. Also called: Hereditary breast and ovarian cancer syndrome (HBOC); BRCA1- and BRCA2-Associated Hereditary Breast and Ovarian Cancer; Hereditary breast and/or ovarian cancer syndrome; Hereditary breast and ovarian cancer syndrome; Hereditary breast and ovarian cancer; Breast and ovarian cancer. Identifiers: Orphanet 145, MedGen C0677776, MeSH D061325, MONDO:0003582. Disease mechanism: loss of function.
Hereditary cancer-predisposing syndrome. Also called: Neoplastic Syndromes, Hereditary; Hereditary neoplastic syndrome; Tumor predisposition; Hereditary Cancer Syndrome. Identifiers: Orphanet 140162, MedGen C0027672, MeSH D009386, MONDO:0015356.
Breast-ovarian cancer, familial, susceptibility to, 1 (BROVCA1). Also called: BRCA1 Hereditary Breast and Ovarian Cancer; OVARIAN CANCER, SUSCEPTIBILITY TO. Identifiers: Orphanet 145, MedGen C2676676, MONDO:0011450, OMIM 604370. Disease mechanism: loss of function.

Allele frequency attached by ClinVar (database versions not stated): gnomAD exomes below 0.00001; ExAC 0.00001.
gnomAD v4.1: 2 of 1,614,106 alleles (0.00012%); highest among the groups gnomAD compares: East Asian, 0.0022%; no homozygotes.

Submissions (4):

Evidence-based Network for the Interpretation of Germline Mutant Alleles (ENIGMA)
Classification: Likely benign for Breast-ovarian cancer, familial, susceptibility to, 1. Last evaluated: 2017-06-29. Review status: reviewed by expert panel. Criteria: ENIGMA BRCA1/2 Classification Criteria (2017-06-29). Collection method: curation. Allele origin: germline.
Comment: Synonymous substitution variant, with low bioinformatic likelihood to result in a splicing aberration (Splicing prior probability 0.02).

Labcorp Genetics (formerly Invitae), Labcorp
Classification: Likely benign for Hereditary breast ovarian cancer syndrome. Last evaluated: 2025-12-11. Review status: criteria provided, single submitter. Criteria: Invitae Variant Classification Sherloc (09022015). Collection method: clinical testing. Allele origin: germline. Not counted in ClinVar's aggregate classification.

Quest Diagnostics Nichols Institute San Juan Capistrano
Classification: Likely benign. Last evaluated: 2025-05-02. Review status: criteria provided, single submitter. Criteria: Quest Diagnostics criteria. Collection method: clinical testing. Allele origin: unknown. Not counted in ClinVar's aggregate classification.

Ambry Genetics
Classification: Likely benign for Hereditary cancer-predisposing syndrome. Last evaluated: 2018-04-09. Review status: criteria provided, single submitter. Criteria: Ambry Variant Classification Scheme 2023. Collection method: clinical testing. Allele origin: germline. Not counted in ClinVar's aggregate classification.

NM_007294.4(BRCA1):c.2016A>G (p.Lys672=)

Gene: BRCA1 (BRCA1 DNA repair associated; minus strand). Cytogenetic location: 17q21.31.
Variant type: single nucleotide variant.
Coding change: c.2016A>G on transcript NM_007294.4 (MANE Select); coding-DNA position 2016, A replaced by G.
Protein change: p.Lys672=; no amino-acid change (lysine 672 retained).
Molecular consequence: synonymous variant. On other transcripts: intron variant (137).
Genome position (GRCh38, 1-based): chr17:43,093,515, T>C on the plus strand (A>G on the coding strand, the complement: BRCA1 is on the minus strand). VCF-style: chr17-43093515-T-C. GRCh37 (hg19) VCF-style: chr17-41245532-T-C.
Other names: c.1803A>G, p.Lys601= (NM_001407571.1, NM_001407853.1, NM_001407894.1 and 9 more transcripts); c.2016A>G, p.Lys672= (NM_001407581.1, NM_001407582.1, NM_001407583.1 and 30 more transcripts); c.2013A>G, p.Lys671= (NM_001407587.1, NM_001407590.1, NM_001407591.1 and 22 more transcripts); c.2007A>G, p.Lys669= (NM_001407646.1, NM_001407647.1); c.1893A>G, p.Lys631= (NM_001407648.1, NM_001407664.1, NM_001407665.1 and 19 more transcripts); c.1890A>G, p.Lys630= (NM_001407649.1, NM_001407670.1, NM_001407671.1 and 11 more transcripts); c.1938A>G, p.Lys646= (NM_001407653.1, NM_001407654.1, NM_001407655.1 and 4 more transcripts); c.1935A>G, p.Lys645= (NM_001407659.1, NM_001407660.1, NM_001407661.1 and 1 more transcripts); and 40 more.
Identifiers: ClinVar variation 427319 (VCV000427319.19), dbSNP rs776542749, ClinGen allele CA057701.